The following is an entry in ClinVar:

NM_006514.4(SCN10A):c.656T>C (p.Val219Ala)

Gene: SCN10A (sodium voltage-gated channel alpha subunit 10; minus strand). Cytogenetic location: 3p22.2.
Variant type: single nucleotide variant.
Coding change: c.656T>C on transcript NM_006514.4 (MANE Select); coding-DNA position 656, T replaced by C.
Protein change: p.Val219Ala; replaces valine 219 with alanine.
Molecular consequence: missense variant.
Genome position (GRCh38, 1-based): chr3:38,763,540, A>G on the plus strand (T>C on the coding strand, the complement: SCN10A is on the minus strand). VCF-style: chr3-38763540-A-G. GRCh37 (hg19) VCF-style: chr3-38805031-A-G.
Other names: c.656T>C, p.Val219Ala (NM_001293306.2, NM_001293307.2); short protein forms V219A.
Identifiers: ClinVar variation 1754240 (VCV001754240.2), dbSNP rs2470816193, ClinGen allele CA352172076.

ClinVar aggregate classification (germline): Uncertain significance (1 of 4 stars; one submission).

Conditions:
Cardiovascular phenotype. Identifiers: MedGen CN230736.

Submission:

Ambry Genetics
Classification: Uncertain significance for Cardiovascular phenotype. Last evaluated: 2022-07-23. Review status: criteria provided, single submitter. Criteria: Ambry Variant Classification Scheme 2023. Collection method: clinical testing. Allele origin: germline.
Comment: The p.V219A variant (also known as c.656T>C), located in coding exon 5 of the SCN10A gene, results from a T to C substitution at nucleotide position 656. The valine at codon 219 is replaced by alanine, an amino acid with similar properties. This amino acid position is conserved. In addition, this alteration is predicted to be deleterious by in silico analysis. Since supporting evidence is limited at this time, the clinical significance of this alteration remains unclear.